The following is an entry in ClinVar:

NM_018671.5(UNC45A):c.55A>G (p.Ser19Gly)

Gene: UNC45A (unc-45 myosin chaperone A; plus strand). Cytogenetic location: 15q26.1.
Variant type: single nucleotide variant.
Coding change: c.55A>G on transcript NM_018671.5 (MANE Select); coding-DNA position 55, A replaced by G.
Protein change: p.Ser19Gly; replaces serine 19 with glycine.
Molecular consequence: missense variant. On other transcripts: 5 prime UTR variant (1).
Genome position (GRCh38, 1-based): chr15:90,935,547, A>G. VCF-style: chr15-90935547-A-G. GRCh37 (hg19) VCF-style: chr15-91478777-A-G.
Other names: c.10A>G, p.Ser4Gly (NM_001039675.2, NM_001323621.2); c.55A>G, p.Ser19Gly (NM_001323619.1); c.-529A>G (NM_001323620.2); short protein forms S19G, S4G.
Identifiers: ClinVar variation 2420286 (VCV002420286.5), dbSNP rs149632219, ClinGen allele CA274802246.

ClinVar aggregate classification (germline): Uncertain significance (1 of 4 stars; one submission).

Allele frequency attached by ClinVar (database versions not stated): gnomAD 0.00001; gnomAD exomes 0.00001; TOPMed 0.00001; ESP Exome Variant Server 0.00008.
gnomAD v4.1: 11 of 1,602,372 alleles (0.00069%); highest among the groups gnomAD compares: Non-Finnish European, 0.00094%; no homozygotes.

Submission:

Labcorp Genetics (formerly Invitae), Labcorp
Classification: Uncertain significance. Last evaluated: 2022-07-19. Review status: criteria provided, single submitter. Criteria: Invitae Variant Classification Sherloc (09022015). Collection method: clinical testing. Allele origin: germline.
Comment: This variant has not been reported in the literature in individuals affected with UNC45A-related conditions. In summary, the available evidence is currently insufficient to determine the role of this variant in disease. Therefore, it has been classified as a Variant of Uncertain Significance. Algorithms developed to predict the effect of missense changes on protein structure and function are either unavailable or do not agree on the potential impact of this missense change (SIFT: "Not Available"; PolyPhen-2: "Benign"; Align-GVGD: "Not Available"). This variant is not present in population databases (gnomAD no frequency). This sequence change replaces serine, which is neutral and polar, with glycine, which is neutral and non-polar, at codon 19 of the UNC45A protein (p.Ser19Gly).